The following is an entry in ClinVar:

NM_000264.5(PTCH1):c.1183_1187dup (p.Glu397fs)

Gene: PTCH1 (patched 1; minus strand). Cytogenetic location: 9q22.32.
Variant type: Duplication.
Coding change: c.1183_1187dup on transcript NM_000264.5 (MANE Select); coding-DNA positions 1183 to 1187, 5 bases duplicated (ATCCT; older notation c.1183_1187dupATCCT).
Protein change: p.Glu397fs; shifts the reading frame from glutamic acid 397.
Molecular consequence: frameshift variant. On other transcripts: non-coding transcript variant (1).
Genome position (GRCh38, 1-based): chr9:95,479,028-95,479,032, AGGAT duplicated on the plus strand (ATCCT on the coding strand, the reverse complement: PTCH1 is on the minus strand). VCF-style (leftmost placement, unchanged base first): chr9-95479027-C-CAGGAT. GRCh37 (hg19) VCF-style: chr9-98241309-C-CAGGAT.
Other names: c.730_734dup, p.Glu246fs (NM_001083604.3, NM_001083605.3, NM_001083606.3 and 1 more transcripts); c.985_989dup, p.Glu331fs (NM_001083602.3); c.1180_1184dup, p.Glu396fs (NM_001083603.3); c.1183_1187dup, p.Glu397fs (NM_001354918.2); short protein forms E246fs, E331fs, E396fs, E397fs.
Identifiers: ClinVar variation 936174 (VCV000936174.8), dbSNP rs1841317825, ClinGen allele CA1139659373.

ClinVar aggregate classification (germline): Pathogenic (1 of 4 stars; one submission).

Conditions:
Gorlin syndrome. Also called: Nevoid Basal Cell Carcinoma Syndrome; Basal cell nevus syndrome. Identifiers: Orphanet 377, MedGen C0004779, MONDO:0007187.

Submission:

Labcorp Genetics (formerly Invitae), Labcorp
Classification: Pathogenic for Gorlin syndrome. Last evaluated: 2019-09-07. Review status: criteria provided, single submitter. Criteria: Invitae Variant Classification Sherloc (09022015). Collection method: clinical testing. Allele origin: germline.
Comment: This variant has not been reported in the literature in individuals with PTCH1-related conditions. For these reasons, this variant has been classified as Pathogenic. Loss-of-function variants in PTCH1 are known to be pathogenic (PMID: 16301862, 16419085). This variant is not present in population databases (ExAC no frequency). This sequence change creates a premature translational stop signal (p.Glu397Serfs*37) in the PTCH1 gene. It is expected to result in an absent or disrupted protein product.

Literature cited by the submitters: PubMed 16301862; PubMed 16419085.